The following is an entry in ClinVar:

Conditions:
Breast-ovarian cancer, familial, susceptibility to, 1 (BROVCA1). Also called: BRCA1 Hereditary Breast and Ovarian Cancer; OVARIAN CANCER, SUSCEPTIBILITY TO. Identifiers: Orphanet 145, MedGen C2676676, MONDO:0011450, OMIM 604370. Disease mechanism: loss of function.

Submission:

Brotman Baty Institute, University of Washington
No classification provided (evidence only). Condition: Breast-ovarian cancer, familial 1. Review status: no classification provided. Collection method: in vitro. Allele origin: not applicable. Functional consequence: functionally_normal.
ClinVar note: "not provided" was previously submitted as the classification for the variant. However, the classification appeared to be based only on an observation of functional data so it was converted to no classification on 2025-07-30.

NM_007294.4(BRCA1):c.167A>C (p.Lys56Thr)

Gene: BRCA1 (BRCA1 DNA repair associated; minus strand). Cytogenetic location: 17q21.31.
Variant type: single nucleotide variant.
Coding change: c.167A>C on transcript NM_007294.4 (MANE Select); coding-DNA position 167, A replaced by C.
Protein change: p.Lys56Thr; replaces lysine 56 with threonine.
Molecular consequence: missense variant. On other transcripts: non-coding transcript variant (1).
Genome position (GRCh38, 1-based): chr17:43,106,501, T>G on the plus strand (A>C on the coding strand, the complement: BRCA1 is on the minus strand). VCF-style: chr17-43106501-T-G. GRCh37 (hg19) VCF-style: chr17-41258518-T-G.
Other names: c.-22A>C (NM_001407571.1, NM_001407853.1, NM_001407886.1 and 58 more transcripts); c.167A>C, p.Lys56Thr (NM_001407581.1, NM_001407582.1, NM_001407583.1 and 168 more transcripts); c.26A>C, p.Lys9Thr (NM_001407692.1, NM_001407694.1, NM_001407695.1 and 99 more transcripts); short protein forms K9T, K56T.
Identifiers: ClinVar variation 867296 (VCV000867296.3), dbSNP rs397508897, ClinGen allele CA10601821.
Genomic context (GRCh38, chr17:43,106,501, plus strand): 5'-TACCAAATTATATACCTTTTGGTTATATCATTCTTACATAAAGGACACTGTGAAGGCCCT[T>G]TCTTCTGGTTGAGAAGTTTCAGCATGCAAAATCTATAAATTATAAAGAAAGAAAGAACAA-3'
Protein context (NP_009225.1, residues 46-66): FCMLKLLNQK[Lys56Thr]GPSQCPLCKN